The following is an entry in ClinVar:

ClinVar aggregate classification (germline): Uncertain significance (1 of 4 stars; one submission).

Submission:

GeneDx
Classification: Uncertain significance. Last evaluated: 2025-07-31. Review status: criteria provided, single submitter. Criteria: GeneDx Variant Classification Process June 2021. Collection method: clinical testing. Allele origin: germline. Affected: yes.
Comment: Not observed at significant frequency in large population cohorts (gnomAD); In silico analysis supports that this missense variant has a deleterious effect on protein structure/function; Has not been previously published as pathogenic or benign to our knowledge

NM_001904.4(CTNNB1):c.1838T>G (p.Val613Gly)

Gene: CTNNB1 (catenin beta 1; plus strand). Cytogenetic location: 3p22.1.
Variant type: single nucleotide variant.
Coding change: c.1838T>G on transcript NM_001904.4 (MANE Select); coding-DNA position 1838, T replaced by G.
Protein change: p.Val613Gly; replaces valine 613 with glycine.
Molecular consequence: missense variant.
Genome position (GRCh38, 1-based): chr3:41,236,383, T>G. VCF-style: chr3-41236383-T-G. GRCh37 (hg19) VCF-style: chr3-41277874-T-G.
Other names: c.1838T>G, p.Val613Gly (NM_001098209.2, NM_001098210.2, NM_001438871.1 and 4 more transcripts); c.1817T>G, p.Val606Gly (NM_001330729.2); short protein forms V606G, V613G.
Identifiers: ClinVar variation 4689967 (VCV004689967.1).